The following is an entry in ClinVar:

ClinVar aggregate classification (germline): Uncertain significance (1 of 4 stars; one submission).

Submission:

Labcorp Genetics (formerly Invitae), Labcorp
Classification: Uncertain significance. Last evaluated: 2021-06-22. Review status: criteria provided, single submitter. Criteria: Invitae Variant Classification Sherloc (09022015). Collection method: clinical testing. Allele origin: germline.
Comment: This sequence change replaces glutamine with arginine at codon 2085 of the CPLANE1 protein (p.Gln2085Arg). The glutamine residue is highly conserved and there is a small physicochemical difference between glutamine and arginine. This variant has not been reported in the literature in individuals affected with CPLANE1-related conditions. Advanced modeling of protein sequence and biophysical properties (such as structural, functional, and spatial information, amino acid conservation, physicochemical variation, residue mobility, and thermodynamic stability) performed at Invitae indicates that this missense variant is not expected to disrupt CPLANE1 protein function. This variant is not present in population databases (ExAC no frequency). In summary, the available evidence is currently insufficient to determine the role of this variant in disease. Therefore, it has been classified as a Variant of Uncertain Significance.

NM_001384732.1(CPLANE1):c.6254A>G (p.Gln2085Arg)

Gene: CPLANE1 (ciliogenesis and planar polarity effector complex subunit 1; minus strand). Cytogenetic location: 5p13.2.
Variant type: single nucleotide variant.
Coding change: c.6254A>G on transcript NM_001384732.1 (MANE Select); coding-DNA position 6254, A replaced by G.
Protein change: p.Gln2085Arg; replaces glutamine 2085 with arginine.
Molecular consequence: missense variant.
Genome position (GRCh38, 1-based): chr5:37,170,249, T>C on the plus strand (A>G on the coding strand, the complement: CPLANE1 is on the minus strand). VCF-style: chr5-37170249-T-C. GRCh37 (hg19) VCF-style: chr5-37170351-T-C.
Other names: c.6254A>G, p.Gln2085Arg (NM_023073.4); short protein forms Q2085R.
Identifiers: ClinVar variation 1425068 (VCV001425068.8), dbSNP rs2150954709, ClinGen allele CA359482521.